The following is an entry in ClinVar:

ClinVar aggregate classification (germline): Pathogenic (1 of 4 stars; one submission).

Allele frequency attached by ClinVar (database versions not stated): gnomAD exomes below 0.00001; ExAC 0.00001.

Submission:

Labcorp Genetics (formerly Invitae), Labcorp
Classification: Pathogenic. Last evaluated: 2023-12-04. Review status: criteria provided, single submitter. Criteria: Invitae Variant Classification Sherloc (09022015). Collection method: clinical testing. Allele origin: germline.
Comment: This sequence change creates a premature translational stop signal (p.Gln18*) in the LAMB3 gene. It is expected to result in an absent or disrupted protein product. Loss-of-function variants in LAMB3 are known to be pathogenic (PMID: 11023379, 16473856). This variant is present in population databases (rs777231178, gnomAD 0.0009%). This variant has not been reported in the literature in individuals affected with LAMB3-related conditions. ClinVar contains an entry for this variant (Variation ID: 1430817). For these reasons, this variant has been classified as Pathogenic.

Literature cited by the submitters: PubMed 11023379; PubMed 16473856.

NM_000228.3(LAMB3):c.52C>T (p.Gln18Ter)

Gene: LAMB3 (laminin subunit beta 3; minus strand). Cytogenetic location: 1q32.2.
Variant type: single nucleotide variant.
Coding change: c.52C>T on transcript NM_000228.3 (MANE Select); coding-DNA position 52, C replaced by T.
Protein change: p.Gln18Ter; replaces glutamine 18 with a stop codon.
Molecular consequence: nonsense.
Genome position (GRCh38, 1-based): chr1:209,650,095, G>A on the plus strand (C>T on the coding strand, the complement: LAMB3 is on the minus strand). VCF-style: chr1-209650095-G-A. GRCh37 (hg19) VCF-style: chr1-209823440-G-A.
Other names: c.52C>T, p.Gln18Ter (NM_001017402.2, NM_001127641.1); short protein forms Q18*.
Identifiers: ClinVar variation 1430817 (VCV001430817.6), dbSNP rs777231178, ClinGen allele CA1376115.
Genomic context (GRCh38, chr1:209,650,095, plus strand): 5'-TCCTCCCAACAAGCAGGTCCCCAACAGGTGGATAGCAGGCCCCACGGGAGCAGGCTTGTT[G>A]GGCATGCAGGAGGCCAGGCAGGGCTGAAATCACAGGGATGTGTGATGGAGCAGTCCAGAA-3'